The following is an entry in ClinVar:

NM_000321.3(RB1):c.-81G>A

Gene: RB1 (RB transcriptional corepressor 1; plus strand). Cytogenetic location: 13q14.2.
Variant type: single nucleotide variant.
Coding change: c.-81G>A on transcript NM_000321.3 (MANE Select); 81 bases upstream of the start codon, G replaced by A.
Molecular consequence: 5 prime UTR variant.
Genome position (GRCh38, 1-based): chr13:48,303,832, G>A. VCF-style: chr13-48303832-G-A. GRCh37 (hg19) VCF-style: chr13-48877968-G-A.
Identifiers: ClinVar variation 312280 (VCV000312280.7), dbSNP rs886050267, ClinGen allele CA10634443.

ClinVar aggregate classification (germline): Uncertain significance. Review status: criteria provided, multiple submitters, no conflicts (2 of 4 stars). 2 submissions from 2 submitters: Uncertain significance (2). Last evaluated 2026-02-03.

Conditions:
Retinoblastoma (RB1). Also called: RETINOBLASTOMA, SOMATIC. Identifiers: Orphanet 790, MedGen C0035335, MeSH D012175, MONDO:0008380, OMIM 180200, HP:0009919. Disease mechanism: loss of function. Inheritance: Both sporadic and heritable forms are tested..

Allele frequency attached by ClinVar (database versions not stated): gnomAD 0.00001; gnomAD exomes 0.00001.
gnomAD v4.1: 12 of 1,486,830 alleles (0.00081%); highest among the groups gnomAD compares: South Asian, 0.01%; no homozygotes.

Submissions (2):

Labcorp Genetics (formerly Invitae), Labcorp
Classification: Uncertain significance for Retinoblastoma. Last evaluated: 2026-02-03. Review status: criteria provided, single submitter. Criteria: Invitae Variant Classification Sherloc (09022015). Collection method: clinical testing. Allele origin: germline.
Comment: This variant occurs in a non-coding region of the RB1 gene. It does not change the encoded amino acid sequence of the RB1 protein. This variant is not present in population databases (gnomAD no frequency). This variant has not been reported in the literature in individuals affected with RB1-related conditions. ClinVar contains an entry for this variant (Variation ID: 312280). In summary, the available evidence is currently insufficient to determine the role of this variant in disease. Therefore, it has been classified as a Variant of Uncertain Significance.

Illumina Laboratory Services, Illumina
Classification: Uncertain significance for Retinoblastoma. Last evaluated: 2018-01-12. Review status: criteria provided, single submitter. Criteria: ICSL Variant Classification Criteria 13 December 2019. Collection method: clinical testing. Allele origin: germline.